The following is an entry in ClinVar:

ClinVar aggregate classification (germline): Benign (1 of 4 stars; one submission).

Allele frequency attached by ClinVar (database versions not stated): TOPMed 0.13025; gnomAD 0.13395 and 0.13976; 1000 Genomes Project 30x 0.16608; 1000 Genomes Project 0.17298.
gnomAD v4.1: 15,400 of 110,000 alleles (14%); highest among the groups gnomAD compares: East Asian, 29%; 1,028 homozygotes.

Submission:

GeneDx
Classification: Benign. Last evaluated: 2018-06-14. Review status: criteria provided, single submitter. Criteria: GeneDx Variant Classification (06012015). Collection method: clinical testing. Allele origin: germline. Affected: yes.
Comment: This variant is considered likely benign or benign based on one or more of the following criteria: it is a conservative change, it occurs at a poorly conserved position in the protein, it is predicted to be benign by multiple in silico algorithms, and/or has population frequency not consistent with disease.

NM_004006.3(DMD):c.2168+278A>G

Gene: DMD (dystrophin; minus strand). Cytogenetic location: Xp21.1.
Variant type: single nucleotide variant.
Coding change: c.2168+278A>G on transcript NM_004006.3 (MANE Select); 278 bases into the intron after coding-DNA position 2168, A replaced by G.
Molecular consequence: intron variant.
Genome position (GRCh38, 1-based): chrX:32,544,881, T>C on the plus strand (A>G on the coding strand, the complement: DMD is on the minus strand). VCF-style: chrX-32544881-T-C. GRCh37 (hg19) VCF-style: chrX-32562998-T-C.
Other names: c.2144+278A>G (NM_000109.4); c.2156+278A>G (NM_004009.3); c.1799+278A>G (NM_004010.3).
Identifiers: ClinVar variation 680537 (VCV000680537.1), dbSNP rs228371, ClinGen allele CA328024936.